The following is an entry in ClinVar:

NM_001014.5(RPS10):c.6G>A (p.Leu2=)

Genes: RPS10 (ribosomal protein S10; minus strand), RPS10-NUDT3 (RPS10-NUDT3 readthrough; minus strand). Cytogenetic location: 6p21.31.
Variant type: single nucleotide variant.
Coding change: c.6G>A on transcript NM_001014.5 (MANE Select); coding-DNA position 6, G replaced by A.
Protein change: p.Leu2=; no amino-acid change (leucine 2 retained).
Molecular consequence: synonymous variant.
Genome position (GRCh38, 1-based): chr6:34,425,216, C>T on the plus strand (G>A on the coding strand, the complement: RPS10 is on the minus strand). VCF-style: chr6-34425216-C-T. GRCh37 (hg19) VCF-style: chr6-34392993-C-T.
Other names: c.6G>A (NM_001203245.2); c.6G>A, p.Leu2= (NM_001202470.3, NM_001203245.3, NM_001204091.2).
Identifiers: ClinVar variation 356423 (VCV000356423.26), dbSNP rs146246722, ClinGen allele CA3765147.

ClinVar aggregate classification (germline): Benign/Likely benign. Review status: criteria provided, multiple submitters, no conflicts (2 of 4 stars). 7 submissions from 7 submitters: Benign (2); Likely benign (5). Last evaluated 2026-01-26.

Conditions:
Diamond-Blackfan anemia. Also called: Aase syndrome; Blackfan Diamond syndrome; Aregenerative anemia chronic congenital; Red cell aplasia, pure hereditary; Congenital hypoplastic anemia. Identifiers: Orphanet 124, MedGen C1260899, MeSH D029503, MONDO:0015253, HP:0004810.
RPS10-related disorder. Also called: RPS10-related condition.
Diamond-Blackfan anemia 9 (DBA9). Also called: RPS10-Related Diamond-Blackfan Anemia. Identifiers: Orphanet 124, MedGen C2750081, MONDO:0013216, OMIM 613308.

Allele frequency attached by ClinVar (database versions not stated): ESP Exome Variant Server 0.00015; TOPMed 0.00022; gnomAD exomes 0.00047 and 0.00085; gnomAD 0.00063 and 0.00068; 1000 Genomes Project 0.00100; ExAC 0.00125; 1000 Genomes Project 30x 0.00141.
gnomAD v4.1: 790 of 1,608,702 alleles (0.049%); highest among the groups gnomAD compares: East Asian, 0.47%; 3 homozygotes.

Submissions (7):

Labcorp Genetics (formerly Invitae), Labcorp
Classification: Benign for Diamond-Blackfan anemia. Last evaluated: 2026-01-26. Review status: criteria provided, single submitter. Criteria: Invitae Variant Classification Sherloc (09022015). Collection method: clinical testing. Allele origin: germline.

CeGaT Center for Human Genetics Tuebingen
Classification: Likely benign. Last evaluated: 2025-10-01. Review status: criteria provided, single submitter. Criteria: CeGaT Center For Human Genetics Tuebingen Variant Classification Criteria Version 2. Collection method: clinical testing. Allele origin: germline. Affected: yes. Observed: 1 variant allele.
Comment: RPS10: BP4

PreventionGenetics, part of Exact Sciences
Classification: Likely benign for RPS10-related condition. Last evaluated: 2025-04-07. Review status: criteria provided, single submitter. Criteria: ACMG Guidelines, 2015. Collection method: clinical testing. Allele origin: germline.
Comment: This variant is classified as likely benign based on ACMG/AMP sequence variant interpretation guidelines (Richards et al. 2015 PMID: 25741868, with internal and published modifications).

Laboratory of Genetics, Children's Clinical University Hospital Latvia
Classification: Benign. Last evaluated: 2025-02-16. Review status: criteria provided, single submitter. Criteria: ACMG Guidelines, 2015. Collection method: clinical testing. Allele origin: germline. Affected: yes.

Blueprint Genetics
Classification: Likely benign. Last evaluated: 2024-11-19. Review status: criteria provided, single submitter. Criteria: ACMG Guidelines, 2015. Collection method: clinical testing. Allele origin: germline.

Ambry Genetics
Classification: Likely benign for Diamond-Blackfan anemia. Last evaluated: 2023-09-18. Review status: criteria provided, single submitter. Criteria: Ambry Variant Classification Scheme 2023. Collection method: clinical testing. Allele origin: germline.

Illumina Laboratory Services, Illumina
Classification: Likely benign for Diamond-Blackfan anemia 9. Last evaluated: 2017-04-27. Review status: criteria provided, single submitter. Criteria: ICSL Variant Classification Criteria 13 December 2019. Collection method: clinical testing. Allele origin: germline.
Comment: This variant was observed as part of a predisposition screen in an ostensibly healthy population. A literature search was performed for the gene, cDNA change, and amino acid change (where applicable). No publications were found based on this search. Allele frequency data from public databases allowed determination this variant is unlikely to cause disease. Therefore, this variant is classified as likely benign.